The following is an entry in ClinVar:

NM_017757.3(ZNF407):c.6483C>T (p.Gly2161=)

Gene: ZNF407 (zinc finger protein 407; plus strand). Cytogenetic location: 18q22.3.
Variant type: single nucleotide variant.
Coding change: c.6483C>T on transcript NM_017757.3 (MANE Select); coding-DNA position 6483, C replaced by T.
Protein change: p.Gly2161=; no amino-acid change (glycine 2161 retained).
Molecular consequence: synonymous variant.
Genome position (GRCh38, 1-based): chr18:75,064,204, C>T. VCF-style: chr18-75064204-C-T. GRCh37 (hg19) VCF-style: chr18-72776160-C-T.
Other names: c.6483C>T, p.Gly2161= (NM_001384475.1).
Identifiers: ClinVar variation 727562 (VCV000727562.29), dbSNP rs200244471, ClinGen allele CA9001387.

ClinVar aggregate classification (germline): Likely benign. Review status: criteria provided, multiple submitters, no conflicts (2 of 4 stars). 4 submissions from 4 submitters: Likely benign (3). 1 of the submissions does not count toward it. Last evaluated 2024-11-28.

Conditions:
ZNF407-related disorder. Also called: ZNF407-related condition.

Allele frequency attached by ClinVar (database versions not stated): 1000 Genomes Project 30x 0.00016; ExAC 0.00019; 1000 Genomes Project 0.00020; gnomAD exomes 0.00020; gnomAD 0.00061 and 0.00064; ESP Exome Variant Server 0.00085; TOPMed 0.00086.
gnomAD v4.1: 287 of 1,604,468 alleles (0.018%); highest among the groups gnomAD compares: African/African-American, 0.2%; 1 homozygote.

Submissions (4):

Blueprint Genetics
Classification: Likely benign. Last evaluated: 2024-11-28. Review status: criteria provided, single submitter. Criteria: ACMG Guidelines, 2015. Collection method: clinical testing. Allele origin: germline.

CeGaT Center for Human Genetics Tuebingen
Classification: Likely benign. Last evaluated: 2023-11-01. Review status: criteria provided, single submitter. Criteria: CeGaT Center For Human Genetics Tuebingen Variant Classification Criteria Version 2. Collection method: clinical testing. Allele origin: germline. Affected: yes. Observed: 1 variant allele.
Comment: ZNF407: BP4, BP7

Labcorp Genetics (formerly Invitae), Labcorp
Classification: Likely benign. Last evaluated: 2019-12-31. Review status: criteria provided, single submitter. Criteria: Invitae Variant Classification Sherloc (09022015). Collection method: clinical testing. Allele origin: germline.

PreventionGenetics, part of Exact Sciences
Classification: Likely benign for ZNF407-related condition. Last evaluated: 2019-02-19. Review status: no assertion criteria provided. Collection method: clinical testing. Allele origin: germline. Not counted in ClinVar's aggregate classification.
Comment: This variant is classified as likely benign based on ACMG/AMP sequence variant interpretation guidelines (Richards et al. 2015 PMID: 25741868, with internal and published modifications).